The following is an entry in ClinVar:

NM_000781.3(CYP11A1):c.1295C>T (p.Pro432Leu)

Gene: CYP11A1 (cytochrome P450 family 11 subfamily A member 1; minus strand). Cytogenetic location: 15q24.1.
Variant type: single nucleotide variant.
Coding change: c.1295C>T on transcript NM_000781.3 (MANE Select); coding-DNA position 1295, C replaced by T.
Protein change: p.Pro432Leu; replaces proline 432 with leucine.
Molecular consequence: missense variant.
Genome position (GRCh38, 1-based): chr15:74,338,710, G>A on the plus strand (C>T on the coding strand, the complement: CYP11A1 is on the minus strand). VCF-style: chr15-74338710-G-A. GRCh37 (hg19) VCF-style: chr15-74631051-G-A.
Other names: c.821C>T, p.Pro274Leu (NM_001099773.2); short protein forms P432L, P274L.
Identifiers: ClinVar variation 807293 (VCV000807293.44), dbSNP rs779043334, ClinGen allele CA7656297.

ClinVar aggregate classification (germline): Conflicting classifications of pathogenicity. Review status: criteria provided, conflicting classifications (1 of 4 stars). 3 submissions from 3 submitters: Likely pathogenic (1); Uncertain significance (2). Last evaluated 2022-05-26.

Conditions:
Congenital adrenal insufficiency with 46, XY sex reversal OR 46,XY disorder of sex development-adrenal insufficiency due to CYP11A1 deficiency. Also called: P450scc DEFICIENCY; Congenital adrenal insuffiency with 46, XY sex reversal OR 46,XY disorder of sex development-adrenal insufficiency due to CYP11A1 deficiency. Identifiers: Orphanet 168558, MedGen C3151055, MONDO:0013400, OMIM 613743.

Allele frequency attached by ClinVar (database versions not stated): ExAC 0.00001; gnomAD exomes 0.00002 and 0.00003; TOPMed 0.00002; gnomAD 0.00003 and 0.00004.
gnomAD v4.1: 32 of 1,614,034 alleles (0.002%); highest among the groups gnomAD compares: Admixed American, 0.0033%; no homozygotes.

Submissions (3):

Fulgent Genetics
Classification: Uncertain significance for Congenital adrenal insufficiency with 46, XY sex reversal OR 46,XY disorder of sex development-adrenal insufficiency due to CYP11A1 deficiency. Last evaluated: 2022-05-26. Review status: criteria provided, single submitter. Criteria: ACMG Guidelines, 2015. Collection method: clinical testing. Allele origin: unknown.

CeGaT Center for Human Genetics Tuebingen
Classification: Uncertain significance. Last evaluated: 2019-06-01. Review status: criteria provided, single submitter. Criteria: CeGaT Center For Human Genetics Tuebingen Variant Classification Criteria Version 2. Collection method: clinical testing. Allele origin: germline. Affected: yes. Observed: 3 variant alleles.

Juno Genomics, Hangzhou Juno Genomics, Inc
Classification: Likely pathogenic for Congenital adrenal insufficiency with 46, XY sex reversal OR 46,XY disorder of sex development-adrenal insufficiency due to CYP11A1 deficiency. Review status: criteria provided, single submitter. Criteria: ACMG Guidelines, 2015. Collection method: clinical testing. Allele origin: germline.
Comment: Absent from controls (or at extremely low frequency if recessive) in Genome Aggregation Database.;Multiple lines of computational evidence support a deleterious effect on the gene or gene product.;For recessive disorders, detected in trans with a pathogenic variant.;Patient's phenotype or family history is highly specific for a disease with a single genetic etiology.